The following is an entry in ClinVar:

NM_003680.4(YARS1):c.112del (p.Ile38fs)

Gene: YARS1 (tyrosyl-tRNA synthetase 1; minus strand). Cytogenetic location: 1p35.1.
Variant type: Deletion.
Coding change: c.112del on transcript NM_003680.4 (MANE Select); coding-DNA position 112, one base deleted (A; older notation c.112delA).
Protein change: p.Ile38fs; shifts the reading frame from isoleucine 38.
Molecular consequence: frameshift variant.
Genome position (GRCh38, 1-based): chr1:32,811,003, T deleted on the plus strand (A on the coding strand, the reverse complement: YARS1 is on the minus strand); the first of 4 consecutive T bases (chr1:32,811,003-32,811,006); deleting any one gives the same sequence. VCF-style (leftmost placement, unchanged base first): chr1-32811002-AT-A. GRCh37 (hg19) VCF-style: chr1-33276603-AT-A.
Other names: c.112delA (NM_003680.3); short protein forms I38fs.
Identifiers: ClinVar variation 952197 (VCV000952197.10), dbSNP rs771840678, ClinGen allele CA745281.

ClinVar aggregate classification (germline): Conflicting classifications of pathogenicity. Review status: criteria provided, conflicting classifications (1 of 4 stars). 3 submissions from 3 submitters: Pathogenic (1); Likely pathogenic (1); Uncertain significance (1). Last evaluated 2026-04-03.

Conditions:
Inborn genetic diseases. Identifiers: MedGen C0950123, MeSH D030342.
Charcot-Marie-Tooth disease dominant intermediate C (CMTDIC). Also called: CHARCOT-MARIE-TOOTH NEUROPATHY, DOMINANT INTERMEDIATE C. Identifiers: Orphanet 100045, MedGen C1842237, MONDO:0012012, OMIM 608323.
YARS1-related disorder. Also called: YARS1-related condition.

Submissions (3):

PreventionGenetics, part of Exact Sciences
Classification: Likely pathogenic for YARS1-related condition. Last evaluated: 2026-04-03. Review status: criteria provided, single submitter. Criteria: ACMG Guidelines, 2015. Collection method: clinical testing. Allele origin: germline.
Comment: The YARS1 c.112delA variant is predicted to result in a frameshift and premature protein termination (p.Ile38Phefs*26). To our knowledge, this variant has not been reported in the literature. This variant is reported in 0.0015% of alleles in individuals of European (Non-Finnish) descent in gnomAD. Frameshift variants in YARS1 are expected to be pathogenic. This variant is interpreted as likely pathogenic for autosomal recessive YARS1-related disorders and as a variant of uncertain significance for autosomal dominant YARS1-related disorders.

Labcorp Genetics (formerly Invitae), Labcorp
Classification: Uncertain significance for Charcot-Marie-Tooth disease dominant intermediate C. Last evaluated: 2024-05-06. Review status: criteria provided, single submitter. Criteria: Invitae Variant Classification Sherloc (09022015). Collection method: clinical testing. Allele origin: germline.
Comment: This sequence change creates a premature translational stop signal (p.Ile38Phefs*26) in the YARS gene. It is expected to result in an absent or disrupted protein product. However, the current clinical and genetic evidence is not sufficient to establish whether loss-of-function variants in YARS cause disease. This variant is present in population databases (rs771840678, gnomAD 0.002%). This variant has not been reported in the literature in individuals affected with YARS-related conditions. ClinVar contains an entry for this variant (Variation ID: 952197). In summary, the available evidence is currently insufficient to determine the role of this variant in disease. Therefore, it has been classified as a Variant of Uncertain Significance.

Ambry Genetics
Classification: Pathogenic for Inborn genetic diseases. Last evaluated: 2021-06-14. Review status: criteria provided, single submitter. Criteria: Ambry Variant Classification Scheme 2023. Collection method: clinical testing. Allele origin: germline.
Comment: The c.112delA pathogenic mutation, located in coding exon 2 of the YARS gene, results from a deletion of one nucleotide at nucleotide position 112, causing a translational frameshift with a predicted alternate stop codon (p.I38Ffs*26). This alteration is expected to result in loss of function by premature protein truncation or nonsense-mediated mRNA decay. Although biallelic loss of function alterations in YARS have been associated with YARS-related multisystem disorder, haploinsufficiency for YARS has not been clearly established as a mechanism of disease for Charcot-Marie Tooth disease, type intermediate C (CMTIC). Based on the supporting evidence, this variant is expected to be causative of YARS-related multisystem disorder when present along with a second pathogenic variant on the other allele; however, its clinical significance for CMTIC is unclear.